The following is an entry in ClinVar:

NM_198129.4(LAMA3):c.9027-11G>A

Gene: LAMA3 (laminin subunit alpha 3; plus strand). Cytogenetic location: 18q11.2.
Variant type: single nucleotide variant.
Coding change: c.9027-11G>A on transcript NM_198129.4 (MANE Select); 11 bases into the intron before coding-DNA position 9027, G replaced by A.
Molecular consequence: intron variant.
Genome position (GRCh38, 1-based): chr18:23,943,777, G>A. VCF-style: chr18-23943777-G-A. GRCh37 (hg19) VCF-style: chr18-21523741-G-A.
Other names: c.8859-11G>A (NM_001127717.4); c.4200-11G>A (NM_000227.6); c.4032-11G>A (NM_001127718.4).
Identifiers: ClinVar variation 890622 (VCV000890622.7), dbSNP rs117781425, ClinGen allele CA8917087.
Genomic context (GRCh38, chr18:23,943,777, plus strand): 5'-CTGTCTCAGTGCTGAGATTCGAAGGAACGCTGAACACCTCTATTTCCCTTCATCGCCGAT[G>A]TTCCCAACAGGTCACAGTTTGCTGTGGACATGCAGACAACATCCTCCAGAGGACTGGTGT-3'

ClinVar aggregate classification (germline): Benign. Review status: criteria provided, multiple submitters, no conflicts (2 of 4 stars). 3 submissions from 2 submitters: Benign (3). Last evaluated 2026-01-28.

Conditions:
Laryngo-onycho-cutaneous syndrome (JEB2C). Also called: LOGIC SYNDROME; EPIDERMOLYSIS BULLOSA, JUNCTIONAL 2C, LARYNGOONYCHOCUTANEOUS; SHABBIR SYNDROME. Identifiers: Orphanet 2407, MedGen C1328355, MONDO:0009513, OMIM 245660.
Junctional epidermolysis bullosa gravis of Herlitz. Also called: Herlitz-type junctional epidermolysis bullosa; EPIDERMOLYSIS BULLOSA JUNCTIONALIS, HERLITZ TYPE; EPIDERMOLYSIS BULLOSA, JUNCTIONAL, HERLITZ-PEARSON TYPE; JEB-HERLITZ TYPE; EPIDERMOLYSIS BULLOSA, JUNCTIONAL 1B, SEVERE; Epidermolysis Bullosa Letalis. Identifiers: Orphanet 79404, MedGen C0079683, MONDO:0009182, OMIM 226700.

Allele frequency attached by ClinVar (database versions not stated): ESP Exome Variant Server 0.00008; gnomAD exomes 0.00061 and 0.00152; TOPMed 0.00154; ExAC 0.00161; 1000 Genomes Project 30x 0.00328; 1000 Genomes Project 0.00339.
gnomAD v4.1: 1,013 of 1,613,824 alleles (0.063%); highest among the groups gnomAD compares: East Asian, 1.9%; 7 homozygotes.

Submissions (3):

Labcorp Genetics (formerly Invitae), Labcorp
Classification: Benign. Last evaluated: 2026-01-28. Review status: criteria provided, single submitter. Criteria: Invitae Variant Classification Sherloc (09022015). Collection method: clinical testing. Allele origin: germline.

Illumina Laboratory Services, Illumina
Classification: Benign for Junctional epidermolysis bullosa gravis of Herlitz. Last evaluated: 2018-01-13. Review status: criteria provided, single submitter. Criteria: ICSL Variant Classification Criteria 13 December 2019. Collection method: clinical testing. Allele origin: germline.
Comment: This variant was observed in the ICSL laboratory as part of a predisposition screen in an ostensibly healthy population. It had not been previously curated by ICSL or reported in the Human Gene Mutation Database (HGMD: prior to June 1st, 2018), and was therefore a candidate for classification through an automated scoring system. Utilizing variant allele frequency, disease prevalence and penetrance estimates, and inheritance mode, an automated score was calculated to assess if this variant is too frequent to cause the disease. Based on the score and internal cut-off values, a variant classified as benign is not then subjected to further curation. The score for this variant resulted in a classification of benign for this disease.

Illumina Laboratory Services, Illumina
Classification: Benign for Laryngo-onycho-cutaneous syndrome. Last evaluated: 2018-01-13. Review status: criteria provided, single submitter. Criteria: ICSL Variant Classification Criteria 13 December 2019. Collection method: clinical testing. Allele origin: germline.
Comment: the same text as in the submission from Illumina Laboratory Services, Illumina above.